The following is an entry in ClinVar:

NM_006306.4(SMC1A):c.3186C>G (p.Ile1062Met)

Gene: SMC1A (structural maintenance of chromosomes 1A; minus strand). Cytogenetic location: Xp11.22.
Variant type: single nucleotide variant.
Coding change: c.3186C>G on transcript NM_006306.4 (MANE Select); coding-DNA position 3186, C replaced by G.
Protein change: p.Ile1062Met; replaces isoleucine 1062 with methionine.
Molecular consequence: missense variant.
Genome position (GRCh38, 1-based): chrX:53,382,605, G>C on the plus strand (C>G on the coding strand, the complement: SMC1A is on the minus strand). VCF-style: chrX-53382605-G-C. GRCh37 (hg19) VCF-style: chrX-53409526-G-C.
Other names: c.3120C>G, p.Ile1040Met (NM_001281463.1); short protein forms I1040M, I1062M.
Identifiers: ClinVar variation 568388 (VCV000568388.16), dbSNP rs372307204, ClinGen allele CA10420320.

ClinVar aggregate classification (germline): Uncertain significance. Review status: criteria provided, multiple submitters, no conflicts (2 of 4 stars). 4 submissions from 3 submitters: Uncertain significance (4). Last evaluated 2024-07-26.

Conditions:
Congenital muscular hypertrophy-cerebral syndrome (CDLS2). Also called: SMC1A-Related Cornelia de Lange Syndrome; Cornelia de Lange syndrome 2. Identifiers: Orphanet 199, MedGen C1802395, MONDO:0010370, OMIM 300590.
Developmental and epileptic encephalopathy, 85, with or without midline brain defects. Also called: EPILEPTIC ENCEPHALOPATHY, EARLY INFANTILE, 85, WITH OR WITHOUT MIDLINE BRAIN DEFECTS. Identifiers: MedGen C5393312, MONDO:0026771, OMIM 301044.

Allele frequency attached by ClinVar (database versions not stated): ExAC 0.00001; gnomAD 0.00004; TOPMed 0.00004; ESP Exome Variant Server 0.00009.
gnomAD v4.1: 120 of 1,209,802 alleles (0.0099%); highest among the groups gnomAD compares: Non-Finnish European, 0.013%; no homozygotes.

Submissions (4):

Labcorp Genetics (formerly Invitae), Labcorp
Classification: Uncertain significance for Congenital muscular hypertrophy-cerebral syndrome. Last evaluated: 2024-07-26. Review status: criteria provided, single submitter. Criteria: Invitae Variant Classification Sherloc (09022015). Collection method: clinical testing. Allele origin: germline.
Comment: This sequence change replaces isoleucine, which is neutral and non-polar, with methionine, which is neutral and non-polar, at codon 1062 of the SMC1A protein (p.Ile1062Met). This variant is present in population databases (rs372307204, gnomAD 0.008%), including at least one homozygous and/or hemizygous individual. This variant has not been reported in the literature in individuals affected with SMC1A-related conditions. ClinVar contains an entry for this variant (Variation ID: 568388). Advanced modeling of protein sequence and biophysical properties (such as structural, functional, and spatial information, amino acid conservation, physicochemical variation, residue mobility, and thermodynamic stability) performed at Invitae indicates that this missense variant is not expected to disrupt SMC1A protein function with a negative predictive value of 80%. In summary, the available evidence is currently insufficient to determine the role of this variant in disease. Therefore, it has been classified as a Variant of Uncertain Significance.

Fulgent Genetics
Classification: Uncertain significance for Congenital muscular hypertrophy-cerebral syndrome; Developmental and epileptic encephalopathy, 85, with or without midline brain defects. Last evaluated: 2024-04-16. Review status: criteria provided, single submitter. Criteria: ACMG Guidelines, 2015. Collection method: clinical testing. Allele origin: germline.

Fulgent Genetics
Classification: Uncertain significance for Congenital muscular hypertrophy-cerebral syndrome. Last evaluated: 2018-10-31. Review status: criteria provided, single submitter. Criteria: ACMG Guidelines, 2015. Collection method: clinical testing. Allele origin: unknown.

Genetic Services Laboratory, University of Chicago
Classification: Uncertain significance. Last evaluated: 2017-09-12. Review status: criteria provided, single submitter. Criteria: ACMG Guidelines, 2015. Collection method: clinical testing. Allele origin: germline. Affected: no.